The following is an entry in ClinVar:

NM_000077.5(CDKN2A):c.219C>T (p.Ala73=)

Gene: CDKN2A (cyclin dependent kinase inhibitor 2A; minus strand). Cytogenetic location: 9p21.3.
Variant type: single nucleotide variant.
Coding change: c.219C>T on transcript NM_000077.5; coding-DNA position 219, C replaced by T.
Protein change: p.Ala73=; no amino-acid change (alanine 73 retained).
Molecular consequence: synonymous variant (on NM_000077.6). On other transcripts: nonsense (1), 3 prime UTR variant (1).
Genome position (GRCh38, 1-based): chr9:21,971,140, G>A on the plus strand (C>T on the coding strand, the complement: CDKN2A is on the minus strand). VCF-style: chr9-21971140-G-A. GRCh37 (hg19) VCF-style: chr9-21971139-G-A.
Other names: c.219C>T, p.Ala73= (NM_000077.6, NM_001195132.2); c.66C>T, p.Ala22= (NM_001363763.2); c.262C>T, p.Arg88Ter (NM_058195.4); c.*142C>T (NM_058197.5); short protein forms R88*.
Identifiers: ClinVar variation 922946 (VCV000922946.8), dbSNP rs730881679, ClinGen allele CA5012205.

ClinVar aggregate classification (germline): Conflicting classifications of pathogenicity. Review status: criteria provided, conflicting classifications (1 of 4 stars). 4 submissions from 4 submitters: Uncertain significance (2); Likely benign (2). Last evaluated 2025-07-14.

Conditions:
Familial melanoma. Also called: Hereditary melanoma; Hereditary cutaneous melanoma. Identifiers: Orphanet 618, MedGen C1512419, MONDO:0018961.
Melanoma and neural system tumor syndrome. Also called: MELANOMA-ASTROCYTOMA SYNDROME. Identifiers: Orphanet 252206, MedGen C1835042, MONDO:0007967, OMIM 155755.
Hereditary cancer-predisposing syndrome. Also called: Tumor predisposition; Neoplastic Syndromes, Hereditary; Hereditary neoplastic syndrome; Hereditary Cancer Syndrome. Identifiers: Orphanet 140162, MedGen C0027672, MeSH D009386, MONDO:0015356.

Allele frequency attached by ClinVar (database versions not stated): ExAC 0.00001.

Submissions (4):

Labcorp Genetics (formerly Invitae), Labcorp
Classification: Likely benign for Familial melanoma. Last evaluated: 2025-07-14. Review status: criteria provided, single submitter. Criteria: Invitae Variant Classification Sherloc (09022015). Collection method: clinical testing. Allele origin: germline.

Ambry Genetics
Classification: Uncertain significance for Hereditary cancer-predisposing syndrome. Last evaluated: 2024-05-13. Review status: criteria provided, single submitter. Criteria: Ambry Variant Classification Scheme 2023. Collection method: clinical testing. Allele origin: germline.
Comment: The c.219C>T variant (also known as p.A73A), located in coding exon 2 of the CDKN2A gene, results from a C to T substitution at nucleotide position 219. This nucleotide substitution does not change the alanine at codon 73. Of note, this alteration is also known as p.Arg88* variant (also known as c.262C>T), located in coding exon 2 of the CDKN2A (p14ARF) isoform, results from a C to T substitution at nucleotide position 262. The evidence for this gene-disease relationship is limited; therefore, the association of this alteration in the p14ARF isoform with melanoma-pancreatic cancer syndrome is unknown; however, the association of this alteration in the p16 isoform with melanoma-pancreatic cancer syndrome is unlikely.

Baylor Genetics
Classification: Uncertain significance for Melanoma and neural system tumor syndrome. Last evaluated: 2024-03-06. Review status: criteria provided, single submitter. Criteria: ACMG Guidelines, 2015. Collection method: clinical testing. Allele origin: unknown.

Color Diagnostics, LLC DBA Color Health
Classification: Likely benign for Hereditary cancer-predisposing syndrome. Last evaluated: 2019-01-04. Review status: criteria provided, single submitter. Criteria: ACMG Guidelines, 2015. Collection method: clinical testing. Allele origin: germline.